The following is an entry in ClinVar:

ClinVar aggregate classification (germline): Pathogenic (1 of 4 stars; one submission).

Conditions:
Neurodevelopmental disorder with or without hyperkinetic movements and seizures, autosomal dominant. Also called: Intellectual disability, autosomal dominant 8. Identifiers: MedGen C3280282, MONDO:0013655, OMIM 614254.

Submission:

Labcorp Genetics (formerly Invitae), Labcorp
Classification: Pathogenic for Neurodevelopmental disorder with or without hyperkinetic movements and seizures, autosomal dominant. Last evaluated: 2023-07-21. Review status: criteria provided, single submitter. Criteria: Invitae Variant Classification Sherloc (09022015). Collection method: clinical testing. Allele origin: germline.
Comment: This variant has not been reported in the literature in individuals affected with GRIN1-related conditions. For these reasons, this variant has been classified as Pathogenic. ClinVar contains an entry for this variant (Variation ID: 1949360). This variant is not present in population databases (gnomAD no frequency). This sequence change creates a premature translational stop signal (p.Lys360*) in the GRIN1 gene. It is expected to result in an absent or disrupted protein product. Loss-of-function variants in GRIN1 are known to be pathogenic (PMID: 27164704, 35393335).

Literature cited by the submitters: PubMed 27164704; PubMed 35393335.

NM_007327.4(GRIN1):c.1078A>T (p.Lys360Ter)

Gene: GRIN1 (glutamate ionotropic receptor NMDA type subunit 1; plus strand). Cytogenetic location: 9q34.3.
Variant type: single nucleotide variant.
Coding change: c.1078A>T on transcript NM_007327.4 (MANE Select); coding-DNA position 1078, A replaced by T.
Protein change: p.Lys360Ter; replaces lysine 360 with a stop codon.
Molecular consequence: nonsense.
Genome position (GRCh38, 1-based): chr9:137,158,488, A>T. VCF-style: chr9-137158488-A-T. GRCh37 (hg19) VCF-style: chr9-140052940-A-T.
Other names: c.1078A>T, p.Lys360Ter (NM_000832.7, NM_021569.4); c.1141A>T, p.Lys381Ter (NM_001185090.2, NM_001185091.2); short protein forms K360*, K381*.
Identifiers: ClinVar variation 1949360 (VCV001949360.5), dbSNP rs2538608656, ClinGen allele CA375715532.